The following is an entry in ClinVar:

ClinVar aggregate classification (germline): Likely pathogenic (1 of 4 stars; one submission).

gnomAD v4.1: 1 of 1,614,070 alleles (0.000062%); highest among the groups gnomAD compares: Admixed American, 0.0017%; no homozygotes.

Submission:

Dasa
Classification: Likely pathogenic. Last evaluated: 2025-09-27. Review status: criteria provided, single submitter. Criteria: DASA Assertion Criteria. Collection method: clinical testing. Allele origin: germline.
Comment: NM_000515.5(GH1):c.171+1G>A affects a canonical splice site and is predicted to disrupt normal RNA splicing. Loss of function is an established disease mechanism for GH1-associated disorders. Also, this variant is rare in population databases. Based on the currently available evidence, this variant is classified as likely pathogenic.

NM_000515.5(GH1):c.171+1G>A

Genes: GH-LCR (growth hormone locus control region; plus strand), GH1 (growth hormone 1; minus strand). Cytogenetic location: 17q23.3.
Variant type: single nucleotide variant.
Coding change: c.171+1G>A on transcript NM_000515.5 (MANE Select); the canonical splice donor site of the intron after coding-DNA position 171, G replaced by A.
Molecular consequence: splice donor variant.
Genome position (GRCh38, 1-based): chr17:63,918,345, C>T on the plus strand (G>A on the coding strand, the complement: GH1 is on the minus strand). VCF-style: chr17-63918345-C-T. GRCh37 (hg19) VCF-style: chr17-61995705-C-T.
Other names: c.171+1G>A (NM_022560.4, NM_022559.4).
Identifiers: ClinVar variation 4884175 (VCV004884175.2).